The following is an entry in ClinVar:

ClinVar aggregate classification (germline): Benign/Likely benign. Review status: criteria provided, multiple submitters, no conflicts (2 of 4 stars). 2 submissions from 2 submitters: Benign (1); Likely benign (1). Last evaluated 2018-01-13.

Conditions:
Myopathy, lactic acidosis, and sideroblastic anemia 2 (MLASA2). Identifiers: Orphanet 2598, MedGen C3150802, MONDO:0013307, OMIM 613561.

Allele frequency attached by ClinVar (database versions not stated): gnomAD exomes 0.06250; 1000 Genomes Project 0.12660; 1000 Genomes Project 30x 0.12789; gnomAD 0.14266 and 0.14502; TOPMed 0.14506.

Submissions (2):

Illumina Laboratory Services, Illumina
Classification: Benign for Myopathy, lactic acidosis, and sideroblastic anemia 2. Last evaluated: 2018-01-13. Review status: criteria provided, single submitter. Criteria: ICSL Variant Classification Criteria 13 December 2019. Collection method: clinical testing. Allele origin: germline.
Comment: This variant was observed in the ICSL laboratory as part of a predisposition screen in an ostensibly healthy population. It had not been previously curated by ICSL or reported in the Human Gene Mutation Database (HGMD: prior to June 1st, 2018), and was therefore a candidate for classification through an automated scoring system. Utilizing variant allele frequency, disease prevalence and penetrance estimates, and inheritance mode, an automated score was calculated to assess if this variant is too frequent to cause the disease. Based on the score and internal cut-off values, a variant classified as benign is not then subjected to further curation. The score for this variant resulted in a classification of benign for this disease.

Breakthrough Genomics
Classification: Likely benign. Review status: criteria provided, single submitter. Criteria: ACMG Guidelines, 2015. Collection method: not provided. Allele origin: germline. Inheritance: Autosomal recessive inheritance. Affected: yes.

NM_001040436.3(YARS2):c.*643G>A

Gene: YARS2 (tyrosyl-tRNA synthetase 2; minus strand). Cytogenetic location: 12p11.21.
Variant type: single nucleotide variant.
Coding change: c.*643G>A on transcript NM_001040436.3 (MANE Select); 643 bases downstream of the stop codon, G replaced by A.
Molecular consequence: 3 prime UTR variant.
Genome position (GRCh38, 1-based): chr12:32,746,561, C>T on the plus strand (G>A on the coding strand, the complement: YARS2 is on the minus strand). VCF-style: chr12-32746561-C-T. GRCh37 (hg19) VCF-style: chr12-32899495-C-T.
Identifiers: ClinVar variation 308439 (VCV000308439.7), dbSNP rs11052214, ClinGen allele CA10641971.